The following is an entry in ClinVar:

NM_203290.4(POLR1C):c.863T>C (p.Phe288Ser)

Gene: POLR1C (RNA polymerase I and III subunit C; plus strand). Cytogenetic location: 6p21.1.
Variant type: single nucleotide variant.
Coding change: c.863T>C on transcript NM_203290.4 (MANE Select); coding-DNA position 863, T replaced by C.
Protein change: p.Phe288Ser; replaces phenylalanine 288 with serine.
Molecular consequence: missense variant.
Genome position (GRCh38, 1-based): chr6:43,520,989, T>C. VCF-style: chr6-43520989-T-C. GRCh37 (hg19) VCF-style: chr6-43488727-T-C.
Other names: c.863T>C, p.Phe288Ser (NM_001318876.2, NM_001363658.2); c.863T>C (NM_203290.3); short protein forms F288S.
Identifiers: ClinVar variation 1442597 (VCV001442597.8), dbSNP rs146936712, ClinGen allele CA3825603.

ClinVar aggregate classification (germline): Uncertain significance. Review status: criteria provided, multiple submitters, no conflicts (2 of 4 stars). 3 submissions from 3 submitters: Uncertain significance (3). Last evaluated 2025-02-05.

Conditions:
Leukodystrophy, hypomyelinating, 11. Identifiers: Orphanet 88637, MedGen C4225305, MONDO:0014666, OMIM 616494.
POLR1C-related disorder. Also called: POLR1C-related disorders; POLR1C-related condition. Identifiers: MedGen CN239394, MONDO:0700278.

Allele frequency attached by ClinVar (database versions not stated): gnomAD exomes 0.00005 and 0.00014; ExAC 0.00018; gnomAD 0.00049 and 0.00058; ESP Exome Variant Server 0.00062; TOPMed 0.00067.
gnomAD v4.1: 151 of 1,614,024 alleles (0.0094%); highest among the groups gnomAD compares: African/African-American, 0.18%; no homozygotes.

Submissions (3):

PreventionGenetics, part of Exact Sciences
Classification: Uncertain significance for POLR1C-related condition. Last evaluated: 2025-02-05. Review status: criteria provided, single submitter. Criteria: ACMG Guidelines, 2015. Collection method: clinical testing. Allele origin: germline.
Comment: The POLR1C c.863T>C variant is predicted to result in the amino acid substitution p.Phe288Ser. This variant has been reported in the homozygous state in an individual with leukodystrophy with myoclonus and dystonia (Kraoua et al 2019. PubMed ID: 31368241). This variant is reported in 0.20% of alleles in individuals of African descent in gnomAD. At this time, the clinical significance of this variant is uncertain due to the absence of conclusive functional and genetic evidence.

Illumina Laboratory Services, Illumina
Classification: Uncertain significance for Leukodystrophy, hypomyelinating, 11. Last evaluated: 2023-10-23. Review status: criteria provided, single submitter. Criteria: ISL SNV Classification Criteria 03 February 2026. Collection method: clinical testing. Allele origin: unknown.
Comment: The POLR1C c.863T>C, p.(Phe288Ser), missense variant has been reported in a homozygous state in one individual affected with hypomyelinating leukodystrophy (PMID: 31368241). The highest frequency of this allele in the Genome Aggregation Database is 0.001963 in the African/African-American population (version 2.1.1). The Phe288 residue is present in the RNA polymerase Rpb3/Rpb11 dimerization domain. Multiple lines of computational evidence suggest the variant may impact the gene or gene product, however this has not been evaluated experimentally. Based on the limited evidence, the c.863T>C, p.(Phe288Ser), variant is classified as a variant of uncertain significance for POLR3-related leukodystrophy.

Labcorp Genetics (formerly Invitae), Labcorp
Classification: Uncertain significance. Last evaluated: 2022-01-13. Review status: criteria provided, single submitter. Criteria: Invitae Variant Classification Sherloc (09022015). Collection method: clinical testing. Allele origin: germline.
Comment: In summary, the available evidence is currently insufficient to determine the role of this variant in disease. Therefore, it has been classified as a Variant of Uncertain Significance. Algorithms developed to predict the effect of missense changes on protein structure and function are either unavailable or do not agree on the potential impact of this missense change (SIFT: "Not Available"; PolyPhen-2: "Possibly Damaging"; Align-GVGD: "Not Available"). This missense change has been observed in individual(s) with leukodystrophy (PMID: 31368241). This variant is present in population databases (rs146936712, gnomAD 0.2%). This sequence change replaces phenylalanine, which is neutral and non-polar, with serine, which is neutral and polar, at codon 288 of the POLR1C protein (p.Phe288Ser).

Literature cited by the submitters: PubMed 31368241 (cited by Illumina Laboratory Services, Illumina and Labcorp Genetics (formerly Invitae), Labcorp).